The following is an entry in ClinVar:

ClinVar aggregate classification (germline): Likely benign. Review status: criteria provided, multiple submitters, no conflicts (2 of 4 stars). 3 submissions from 3 submitters: Likely benign (3). Last evaluated 2025-12-09.

Conditions:
Kabuki syndrome. Also called: NIIKAWA-KUROKI SYNDROME; Kabuki make-up syndrome. Identifiers: Orphanet 2322, MedGen C0796004, MONDO:0016512.

Allele frequency attached by ClinVar (database versions not stated): TOPMed below 0.00001.
gnomAD v4.1: 4 of 1,520,724 alleles (0.00026%); highest among the groups gnomAD compares: Admixed American, 0.0089%; no homozygotes.

Submissions (3):

Labcorp Genetics (formerly Invitae), Labcorp
Classification: Likely benign for Kabuki syndrome. Last evaluated: 2025-12-09. Review status: criteria provided, single submitter. Criteria: Invitae Variant Classification Sherloc (09022015). Collection method: clinical testing. Allele origin: germline.

CeGaT Center for Human Genetics Tuebingen
Classification: Likely benign. Last evaluated: 2025-10-01. Review status: criteria provided, single submitter. Criteria: CeGaT Center For Human Genetics Tuebingen Variant Classification Criteria Version 2. Collection method: clinical testing. Allele origin: germline. Affected: yes. Observed: 1 variant allele.
Comment: KMT2D: BP4, BP7

Blueprint Genetics
Classification: Likely benign. Last evaluated: 2021-04-22. Review status: criteria provided, single submitter. Criteria: ACMG Guidelines, 2015. Collection method: clinical testing. Allele origin: germline.

NM_003482.4(KMT2D):c.2556C>T (p.Ser852=)

Gene: KMT2D (lysine methyltransferase 2D; minus strand). Cytogenetic location: 12q13.12.
Variant type: single nucleotide variant.
Coding change: c.2556C>T on transcript NM_003482.4 (MANE Select); coding-DNA position 2556, C replaced by T.
Protein change: p.Ser852=; no amino-acid change (serine 852 retained).
Molecular consequence: synonymous variant.
Genome position (GRCh38, 1-based): chr12:49,051,127, G>A on the plus strand (C>T on the coding strand, the complement: KMT2D is on the minus strand). VCF-style: chr12-49051127-G-A. GRCh37 (hg19) VCF-style: chr12-49444910-G-A.
Identifiers: ClinVar variation 1643293 (VCV001643293.15), dbSNP rs767839968, ClinGen allele CA6548236.